The following is an entry in ClinVar:

NM_001199107.2(TBC1D24):c.*1659G>A

Gene: TBC1D24 (TBC1 domain family member 24; plus strand). Cytogenetic location: 16p13.3.
Variant type: single nucleotide variant.
Coding change: c.*1659G>A on transcript NM_001199107.2 (MANE Select); 1659 bases downstream of the stop codon, G replaced by A.
Molecular consequence: 3 prime UTR variant.
Genome position (GRCh38, 1-based): chr16:2,502,617, G>A. VCF-style: chr16-2502617-G-A. GRCh37 (hg19) VCF-style: chr16-2552618-G-A.
Other names: c.*1659G>A (NM_020705.3).
Identifiers: ClinVar variation 318647 (VCV000318647.5), dbSNP rs115543208, ClinGen allele CA10643303.

ClinVar aggregate classification (germline): Benign (1 of 4 stars; one submission).

Conditions:
Familial infantile myoclonic epilepsy (FIME). Also called: TBC1D24-Related Familial Infantile Myoclonic Epilepsy (FIME); Epilepsy, Myoclonic, Infantile. Identifiers: Orphanet 352582, MedGen C0917800, MONDO:0011506, OMIM 605021.

Allele frequency attached by ClinVar (database versions not stated): 1000 Genomes Project 0.00759; 1000 Genomes Project 30x 0.00765; gnomAD 0.00621; TOPMed 0.00709.

Submission:

Illumina Laboratory Services, Illumina
Classification: Benign for Familial infantile myoclonic epilepsy. Last evaluated: 2018-01-13. Review status: criteria provided, single submitter. Criteria: ICSL Variant Classification Criteria 13 December 2019. Collection method: clinical testing. Allele origin: germline.
Comment: This variant was observed in the ICSL laboratory as part of a predisposition screen in an ostensibly healthy population. It had not been previously curated by ICSL or reported in the Human Gene Mutation Database (HGMD: prior to June 1st, 2018), and was therefore a candidate for classification through an automated scoring system. Utilizing variant allele frequency, disease prevalence and penetrance estimates, and inheritance mode, an automated score was calculated to assess if this variant is too frequent to cause the disease. Based on the score and internal cut-off values, a variant classified as benign is not then subjected to further curation. The score for this variant resulted in a classification of benign for this disease.